The following is an entry in ClinVar:

ClinVar aggregate classification (germline): Uncertain significance (1 of 4 stars; one submission).

Conditions:
Diffuse cerebral and cerebellar atrophy - intractable seizures - progressive microcephaly syndrome. Also called: Microcephaly, progressive, with seizures and cerebral and cerebellar atrophy. Identifiers: Orphanet 404437, MedGen C4014239, MONDO:0014335, OMIM 615760.

Allele frequency attached by ClinVar (database versions not stated): gnomAD 0.00001; gnomAD exomes 0.00001 and 0.00002; TOPMed 0.00002; ExAC 0.00003; ESP Exome Variant Server 0.00008.

Submission:

Labcorp Genetics (formerly Invitae), Labcorp
Classification: Uncertain significance for Diffuse cerebral and cerebellar atrophy - intractable seizures - progressive microcephaly syndrome. Last evaluated: 2022-07-12. Review status: criteria provided, single submitter. Criteria: Invitae Variant Classification Sherloc (09022015). Collection method: clinical testing. Allele origin: germline.
Comment: This sequence change replaces arginine, which is basic and polar, with glutamine, which is neutral and polar, at codon 403 of the QARS protein (p.Arg403Gln). This variant is present in population databases (rs370681625, gnomAD 0.01%). This variant has not been reported in the literature in individuals affected with QARS-related conditions. ClinVar contains an entry for this variant (Variation ID: 858784). Algorithms developed to predict the effect of missense changes on protein structure and function are either unavailable or do not agree on the potential impact of this missense change (SIFT: "Deleterious"; PolyPhen-2: "Probably Damaging"; Align-GVGD: "Class C0"). In summary, the available evidence is currently insufficient to determine the role of this variant in disease. Therefore, it has been classified as a Variant of Uncertain Significance.

NM_005051.3(QARS1):c.1208G>A (p.Arg403Gln)

Gene: QARS1 (glutaminyl-tRNA synthetase 1; minus strand). Cytogenetic location: 3p21.31.
Variant type: single nucleotide variant.
Coding change: c.1208G>A on transcript NM_005051.3 (MANE Select); coding-DNA position 1208, G replaced by A.
Protein change: p.Arg403Gln; replaces arginine 403 with glutamine.
Molecular consequence: missense variant. On other transcripts: non-coding transcript variant (1).
Genome position (GRCh38, 1-based): chr3:49,100,048, C>T on the plus strand (G>A on the coding strand, the complement: QARS1 is on the minus strand). VCF-style: chr3-49100048-C-T. GRCh37 (hg19) VCF-style: chr3-49137481-C-T.
Other names: c.1175G>A, p.Arg392Gln (NM_001272073.2); short protein forms R392Q, R403Q.
Identifiers: ClinVar variation 858784 (VCV000858784.4), dbSNP rs370681625, ClinGen allele CA2391842.
Genomic context (GRCh38, chr3:49,100,048, plus strand): 5'-GTATACTTGACTCGATAGGCTACAGGGTCCATCTTGCCATCCTCCATCACCAGCTTCATC[C>T]GTAGTGTGGCCTCGCCCTCTGAAAACTTGCCCTTGCGCATTGCCTGAGGGGAACAAGGAC-3'
Protein context (NP_005042.1, residues 393-413): GKFSEGEATL[Arg403Gln]MKLVMEDGKM